The following is an entry in ClinVar:

ClinVar aggregate classification (germline): Likely pathogenic (1 of 4 stars; one submission).

Conditions:
Polycystic kidney disease 9, susceptibility to. Identifiers: MedGen C6012712, MONDO:0976267, OMIM 621164.

Submission:

CGC Genetics, Unilabs
Classification: Likely pathogenic for Polycystic kidney disease 9, susceptibility to. Last evaluated: 2025-07-16. Review status: criteria provided, single submitter. Criteria: ACMG Guidelines, 2015. Collection method: clinical testing. Allele origin: germline. Inheritance: Autosomal dominant inheritance. Affected: yes. Observed: 1 variant allele.
Comment: The NM_014714.4:c.1759del p.(Leu587Serfs*23) variant, detected in heterozygosity in exon 15 (of 31) of the IFT140 gene (chr.16), is not reported in the literature, in the gnomAD population database nor in the ClinVar database.This is a frameshift variant that introduces a premature stop codon, which in turn is expected to lead to the creation of a truncated protein and/or a reduction in its expression due to mRNA degradation. Based on currently available information and current classification guidelines, this variant should be classified as likely pathogenic.

NM_014714.4(IFT140):c.1759del (p.Leu587fs)

Gene: IFT140 (intraflagellar transport 140; minus strand). Cytogenetic location: 16p13.3.
Variant type: Deletion.
Coding change: c.1759del on transcript NM_014714.4 (MANE Select); coding-DNA position 1759, one base deleted (C; older notation c.1759delC).
Protein change: p.Leu587fs; shifts the reading frame from leucine 587.
Molecular consequence: frameshift variant.
Genome position (GRCh38, 1-based): chr16:1,568,228, G deleted on the plus strand (C on the coding strand, the reverse complement: IFT140 is on the minus strand); the first of 2 consecutive G bases (chr16:1,568,228-1,568,229); deleting either gives the same sequence. VCF-style (leftmost placement, unchanged base first): chr16-1568227-AG-A. GRCh37 (hg19) VCF-style: chr16-1618228-AG-A.
Other names: short protein forms L587fs.
Identifiers: ClinVar variation 4851568 (VCV004851568.1).
Genomic context (GRCh38, chr16:1,568,227, plus strand): 5'-GGACAGAGGTGAGGAGGCGGAGTGGGCGAGTGGACGAGGGGTGGCCTCACCTTGCTGGGG[AG>A]GATGCTGATGGTGCTCCCGCTGCTGCTGCACCGCAGAGAAGCGATGCCCCCCACCCCAGG-3'